The following is an entry in ClinVar:

NM_000492.4(CFTR):c.4394C>G (p.Ala1465Gly)

Genes: CFTR (CF transmembrane conductance regulator; plus strand), LOC111674477 (CFTR intron 23 enhancer; plus strand). Cytogenetic location: 7q31.2.
Variant type: single nucleotide variant.
Coding change: c.4394C>G on transcript NM_000492.4 (MANE Select); coding-DNA position 4394, C replaced by G.
Protein change: p.Ala1465Gly; replaces alanine 1465 with glycine.
Molecular consequence: missense variant.
Genome position (GRCh38, 1-based): chr7:117,667,059, C>G. VCF-style: chr7-117667059-C-G. GRCh37 (hg19) VCF-style: chr7-117307113-C-G.
Other names: short protein forms A1465G.
Identifiers: ClinVar variation 1740249 (VCV001740249.2), dbSNP rs2485185934, ClinGen allele CA368985231.
Genomic context (GRCh38, chr7:117,667,059, plus strand): 5'-ACAGGGTGAAGCTCTTTCCCCACCGGAACTCAAGCAAGTGCAAGTCTAAGCCCCAGATTG[C>G]TGCTCTGAAAGAGGAGACAGAAGAAGAGGTGCAAGATACAAGGCTTTAGAGAGCAGCATA-3'
Protein context (NP_000483.3, residues 1455-1475): SSKCKSKPQI[Ala1465Gly]ALKEETEEEV

ClinVar aggregate classification (germline): Uncertain significance (1 of 4 stars; one submission).

Conditions:
Cystic fibrosis (CF). Also called: MUCOVISCIDOSIS. Identifiers: Orphanet 586, MedGen C0010674, MONDO:0009061, OMIM 219700. Disease mechanism: loss of function.

Submission:

Ambry Genetics
Classification: Uncertain significance for Cystic fibrosis. Last evaluated: 2022-03-02. Review status: criteria provided, single submitter. Criteria: Ambry Variant Classification Scheme 2023. Collection method: clinical testing. Allele origin: germline.
Comment: The p.A1465G variant (also known as c.4394C>G), located in coding exon 27 of the CFTR gene, results from a C to G substitution at nucleotide position 4394. The alanine at codon 1465 is replaced by glycine, an amino acid with similar properties. This amino acid position is conserved. In addition, this alteration is predicted to be tolerated by in silico analysis. Since supporting evidence is limited at this time, the clinical significance of this alteration remains unclear.